The following is an entry in ClinVar:

NM_032383.5(HPS3):c.1492C>T (p.Gln498Ter)

Gene: HPS3 (HPS3 biogenesis of lysosomal organelles complex 2 subunit 1; plus strand). Cytogenetic location: 3q24.
Variant type: single nucleotide variant.
Coding change: c.1492C>T on transcript NM_032383.5 (MANE Select); coding-DNA position 1492, C replaced by T.
Protein change: p.Gln498Ter; replaces glutamine 498 with a stop codon.
Molecular consequence: nonsense.
Genome position (GRCh38, 1-based): chr3:149,155,198, C>T. VCF-style: chr3-149155198-C-T. GRCh37 (hg19) VCF-style: chr3-148872985-C-T.
Other names: c.997C>T, p.Gln333Ter (NM_001308258.2); short protein forms Q333*, Q498*.
Identifiers: ClinVar variation 2747672 (VCV002747672.3), dbSNP rs1035427075, ClinGen allele CA85505767.

ClinVar aggregate classification (germline): Pathogenic (1 of 4 stars; one submission).

Submission:

Labcorp Genetics (formerly Invitae), Labcorp
Classification: Pathogenic. Last evaluated: 2023-07-28. Review status: criteria provided, single submitter. Criteria: Invitae Variant Classification Sherloc (09022015). Collection method: clinical testing. Allele origin: germline.
Comment: For these reasons, this variant has been classified as Pathogenic. Algorithms developed to predict the effect of sequence changes on RNA splicing suggest that this variant may disrupt the consensus splice site. This variant has not been reported in the literature in individuals affected with HPS3-related conditions. This variant is present in population databases (no rsID available, gnomAD 0.006%). This sequence change creates a premature translational stop signal (p.Gln498*) in the HPS3 gene. It is expected to result in an absent or disrupted protein product. Loss-of-function variants in HPS3 are known to be pathogenic (PMID: 11590544).

Literature cited by the submitters: PubMed 11590544.